The following is an entry in ClinVar:

ClinVar aggregate classification (germline): Likely benign (1 of 4 stars; one submission).

Allele frequency attached by ClinVar (database versions not stated): TOPMed below 0.00001; gnomAD 0.00001; gnomAD exomes 0.00001; ExAC 0.00002; ESP Exome Variant Server 0.00008.
gnomAD v4.1: 10 of 1,575,410 alleles (0.00063%); highest among the groups gnomAD compares: Middle Eastern, 0.034%; no homozygotes.

Submission:

CeGaT Center for Human Genetics Tuebingen
Classification: Likely benign. Last evaluated: 2024-01-01. Review status: criteria provided, single submitter. Criteria: CeGaT Center For Human Genetics Tuebingen Variant Classification Criteria Version 2. Collection method: clinical testing. Allele origin: germline. Affected: yes. Observed: 1 variant allele.
Comment: ARID1B: BP4, BP7

NM_001374828.1(ARID1B):c.6996C>T (p.Asp2332=)

Gene: ARID1B (AT-rich interaction domain 1B; plus strand). Cytogenetic location: 6q25.3.
Variant type: single nucleotide variant.
Coding change: c.6996C>T on transcript NM_001374828.1 (MANE Select); coding-DNA position 6996, C replaced by T.
Protein change: p.Asp2332=; no amino-acid change (aspartic acid 2332 retained).
Molecular consequence: synonymous variant.
Genome position (GRCh38, 1-based): chr6:157,207,768, C>T. VCF-style: chr6-157207768-C-T. GRCh37 (hg19) VCF-style: chr6-157528902-C-T.
Other names: c.6747C>T, p.Asp2249= (NM_001346813.1); c.4497C>T, p.Asp1499= (NM_001363725.2); c.6876C>T, p.Asp2292= (NM_001371656.1, NM_001374820.1); c.6837C>T, p.Asp2279= (NM_017519.3); c.6627C>T, p.Asp2209= (NM_020732.3); c.6414C>T, p.Asp2138= (NM_175863.2).
Identifiers: ClinVar variation 3026329 (VCV003026329.22), dbSNP rs368868154, ClinGen allele CA4068089.